The following is an entry in ClinVar:

ClinVar aggregate classification (germline): Benign. Review status: criteria provided, multiple submitters, no conflicts (2 of 4 stars). 13 submissions from 13 submitters: Benign (10). 3 of the submissions do not count toward it. Last evaluated 2026-02-03.

Conditions:
Collagen 6-related myopathy. Identifiers: MedGen CN117976, MONDO:0100225.
Bethlem myopathy 1A. Also called: Bethlem Muscular Dystrophy; MYOPATHY, BENIGN CONGENITAL, WITH CONTRACTURES; Bethlem myopathy 1. Identifiers: Orphanet 610, MedGen CN029274, MONDO:0024530, OMIM 158810.

Allele frequency attached by ClinVar (database versions not stated): ESP Exome Variant Server 0.09475; 1000 Genomes Project 0.09505; 1000 Genomes Project 30x 0.09572; gnomAD 0.09670 and 0.09859; TOPMed 0.09816.
gnomAD v4.1: 136,783 of 1,607,688 alleles (8.5%); highest among the groups gnomAD compares: African/African-American, 13%; 6,105 homozygotes.

Submissions (13):

Labcorp Genetics (formerly Invitae), Labcorp
Classification: Benign for Bethlem myopathy 1A. Last evaluated: 2026-02-03. Review status: criteria provided, single submitter. Criteria: Invitae Variant Classification Sherloc (09022015). Collection method: clinical testing. Allele origin: germline.

Blueprint Genetics
Classification: Benign. Last evaluated: 2024-11-28. Review status: criteria provided, single submitter. Criteria: ACMG Guidelines, 2015. Collection method: clinical testing. Allele origin: germline.

Athena Diagnostics
Classification: Benign. Last evaluated: 2017-11-06. Review status: criteria provided, single submitter. Criteria: Athena Diagnostics Criteria. Collection method: clinical testing. Allele origin: germline.

Mayo Clinic Laboratories, Mayo Clinic
Classification: Benign. Last evaluated: 2017-08-25. Review status: criteria provided, single submitter. Criteria: ACMG Guidelines, 2015. Collection method: clinical testing. Allele origin: germline. Observed: 128 variant alleles.

Illumina Laboratory Services, Illumina
Classification: Benign for Collagen VI-related myopathy. Last evaluated: 2017-04-27. Review status: criteria provided, single submitter. Criteria: ICSL Variant Classification Criteria 13 December 2019. Collection method: clinical testing. Allele origin: germline.
Comment: This variant was observed as part of a predisposition screen in an ostensibly healthy population. A literature search was performed for the gene, cDNA change, and amino acid change (where applicable). Publications were found based on this search. The evidence from the literature, in combination with allele frequency data from public databases where available, was sufficient to rule this variant out of causing disease. Therefore, this variant is classified as benign.

PreventionGenetics, part of Exact Sciences
Classification: Benign. Last evaluated: 2016-02-09. Review status: criteria provided, single submitter. Criteria: ACMG Guidelines, 2015. Collection method: clinical testing. Allele origin: germline.

GeneDx
Classification: Benign. Last evaluated: 2016-01-25. Review status: criteria provided, single submitter. Criteria: GeneDx Variant Classification (06012015). Collection method: clinical testing. Allele origin: germline. Affected: yes.
Comment: This variant is considered likely benign or benign based on one or more of the following criteria: it is a conservative change, it occurs at a poorly conserved position in the protein, it is predicted to be benign by multiple in silico algorithms, and/or has population frequency not consistent with disease.

Genetic Services Laboratory, University of Chicago
Classification: Benign for AllHighlyPenetrant. Last evaluated: 2013-08-15. Review status: criteria provided, single submitter. Criteria: ACMG Guidelines, 2007. Collection method: clinical testing. Allele origin: germline.

Eurofins Ntd Llc (ga)
Classification: Benign. Last evaluated: 2012-07-17. Review status: criteria provided, single submitter. Criteria: EGL Classification Definitions 2015. Collection method: clinical testing. Allele origin: germline. Observed: 17 variant alleles, 16 heterozygotes, 1 homozygote.

Breakthrough Genomics
Classification: Benign. Review status: criteria provided, single submitter. Criteria: ACMG Guidelines, 2015. Collection method: not provided. Allele origin: germline. Inheritance: Autosomal recessive inheritance. Affected: yes.

Clinical Genetics, Academic Medical Center
Classification: Benign. Review status: no assertion criteria provided. Collection method: clinical testing. Allele origin: germline. Affected: yes. Study: VKGL Data-share Consensus. Not counted in ClinVar's aggregate classification.

Diagnostic Laboratory, Department of Genetics, University Medical Center Groningen
Classification: Benign. Review status: no assertion criteria provided. Collection method: clinical testing. Allele origin: germline. Affected: yes. Study: VKGL Data-share Consensus. Not counted in ClinVar's aggregate classification.

Joint Genome Diagnostic Labs from Nijmegen and Maastricht, Radboudumc and MUMC+
Classification: Benign. Review status: no assertion criteria provided. Collection method: clinical testing. Allele origin: germline. Affected: yes. Study: VKGL Data-share Consensus. Not counted in ClinVar's aggregate classification.

Literature cited by the submitters: PubMed 22992134 (cited by Illumina Laboratory Services, Illumina).

NM_001849.4(COL6A2):c.663C>T (p.Pro221=)

Gene: COL6A2 (collagen type VI alpha 2 chain; plus strand). Cytogenetic location: 21q22.3.
Variant type: single nucleotide variant.
Coding change: c.663C>T on transcript NM_001849.4 (MANE Select); coding-DNA position 663, C replaced by T.
Protein change: p.Pro221=; no amino-acid change (proline 221 retained).
Molecular consequence: synonymous variant.
Genome position (GRCh38, 1-based): chr21:46,112,526, C>T. VCF-style: chr21-46112526-C-T. GRCh37 (hg19) VCF-style: chr21-47532440-C-T.
Other names: p.Pro221=; c.663C>T, p.Pro221= (NM_058174.3, NM_058175.3).
Identifiers: ClinVar variation 93955 (VCV000093955.33), dbSNP rs59531343, ClinGen allele CA147504.